The following is an entry in ClinVar:

NM_002160.4(TNC):c.1079A>G (p.Gln360Arg)

Gene: TNC (tenascin C; minus strand). Cytogenetic location: 9q33.1.
Variant type: single nucleotide variant.
Coding change: c.1079A>G on transcript NM_002160.4 (MANE Select); coding-DNA position 1079, A replaced by G.
Protein change: p.Gln360Arg; replaces glutamine 360 with arginine.
Molecular consequence: missense variant.
Genome position (GRCh38, 1-based): chr9:115,086,652, T>C on the plus strand (A>G on the coding strand, the complement: TNC is on the minus strand). VCF-style: chr9-115086652-T-C. GRCh37 (hg19) VCF-style: chr9-117848931-T-C.
Other names: c.1079A>G, p.Gln360Arg (NM_001410991.1); short protein forms Q360R.
Identifiers: ClinVar variation 2536922 (VCV002536922.5), dbSNP rs1028976347, ClinGen allele CA198688059.

ClinVar aggregate classification (germline): Uncertain significance. Review status: criteria provided, multiple submitters, no conflicts (2 of 4 stars). 3 submissions from 3 submitters: Uncertain significance (3). Last evaluated 2026-06-01.

Conditions:
TNC-related disorder. Also called: TNC-related condition.

Allele frequency attached by ClinVar (database versions not stated): gnomAD 0.00001; TOPMed 0.00002.
gnomAD v4.1: 10 of 1,614,168 alleles (0.00062%); highest among the groups gnomAD compares: Admixed American, 0.017%; no homozygotes.

Submissions (3):

PreventionGenetics, part of Exact Sciences
Classification: Uncertain significance for TNC-related condition. Last evaluated: 2026-06-01. Review status: criteria provided, single submitter. Criteria: ACMG Guidelines, 2015. Collection method: clinical testing. Allele origin: germline.
Comment: The TNC c.1079A>G variant is predicted to result in the amino acid substitution p.Gln360Arg. To our knowledge, this variant has not been reported in the literature or in a large population database (gnomAD), indicating this variant is rare. At this time, the clinical significance of this variant is uncertain due to the absence of conclusive functional and genetic evidence.

Ambry Genetics
Classification: Uncertain significance. Last evaluated: 2025-05-20. Review status: criteria provided, single submitter. Criteria: Ambry Variant Classification Scheme 2023. Collection method: clinical testing. Allele origin: germline.

Blueprint Genetics
Classification: Uncertain significance. Last evaluated: 2022-06-30. Review status: criteria provided, single submitter. Criteria: ACMG Guidelines, 2015. Collection method: clinical testing. Allele origin: germline.